The following is an entry in ClinVar:

ClinVar aggregate classification (germline): Pathogenic/Likely pathogenic. Review status: criteria provided, multiple submitters, no conflicts (2 of 4 stars). 2 submissions from 2 submitters: Pathogenic (1); Likely pathogenic (1). Last evaluated 2023-02-22.

Conditions:
Retinitis pigmentosa 12 (RP12). Also called: RP WITH OR WITHOUT PPRPE; RP WITH OR WITHOUT PRESERVED PARAARTERIOLE RETINAL PIGMENT EPITHELIUM; RETINITIS PIGMENTOSA WITH OR WITHOUT PARAARTERIOLAR PRESERVATION OF RETINAL PIGMENT EPITHELIUM. Identifiers: Orphanet 791, MedGen C1838647, MONDO:0010818, OMIM 600105.
Leber congenital amaurosis 8 (LCA8). Identifiers: Orphanet 65, MedGen C3151202, MONDO:0013453, OMIM 613835.

Submissions (2):

Baylor Genetics
Classification: Likely pathogenic for Leber congenital amaurosis 8. Last evaluated: 2023-02-22. Review status: criteria provided, single submitter. Criteria: ACMG Guidelines, 2015. Collection method: clinical testing. Allele origin: unknown.

Labcorp Genetics (formerly Invitae), Labcorp
Classification: Pathogenic for Leber congenital amaurosis 8; Retinitis pigmentosa 12. Last evaluated: 2020-03-14. Review status: criteria provided, single submitter. Criteria: Invitae Variant Classification Sherloc (09022015). Collection method: clinical testing. Allele origin: germline.
Comment: This sequence change creates a premature translational stop signal (p.Trp906*) in the CRB1 gene. It is expected to result in an absent or disrupted protein product. This variant is not present in population databases (ExAC no frequency). This variant has not been reported in the literature in individuals with CRB1-related conditions. Loss-of-function variants in CRB1 are known to be pathogenic (PMID: 10508521, 22065545, 23379534, 25412400, 26957898, 28041643, 29391521). For these reasons, this variant has been classified as Pathogenic.

Literature cited by the submitters: PubMed 10508521 (cited by Labcorp Genetics (formerly Invitae), Labcorp); PubMed 22065545 (cited by Labcorp Genetics (formerly Invitae), Labcorp); PubMed 23379534 (cited by Labcorp Genetics (formerly Invitae), Labcorp); PubMed 25412400 (cited by Labcorp Genetics (formerly Invitae), Labcorp); PubMed 26957898 (cited by Labcorp Genetics (formerly Invitae), Labcorp); PubMed 28041643 (cited by Labcorp Genetics (formerly Invitae), Labcorp); PubMed 29391521 (cited by Labcorp Genetics (formerly Invitae), Labcorp).

NM_201253.3(CRB1):c.2718G>A (p.Trp906Ter)

Gene: CRB1 (crumbs cell polarity complex component 1; plus strand). Cytogenetic location: 1q31.3.
Variant type: single nucleotide variant.
Coding change: c.2718G>A on transcript NM_201253.3 (MANE Select); coding-DNA position 2718, G replaced by A.
Protein change: p.Trp906Ter; replaces tryptophan 906 with a stop codon.
Molecular consequence: nonsense. On other transcripts: non-coding transcript variant (2), intron variant (1).
Genome position (GRCh38, 1-based): chr1:197,429,490, G>A. VCF-style: chr1-197429490-G-A. GRCh37 (hg19) VCF-style: chr1-197398620-G-A.
Other names: c.2382G>A, p.Trp794Ter (NM_001193640.2); c.2646G>A, p.Trp882Ter (NM_001257965.2); c.2129-6110G>A (NM_001257966.2); short protein forms W794*, W882*, W906*.
Identifiers: ClinVar variation 1070228 (VCV001070228.8), dbSNP rs2125488868, ClinGen allele CA344040512.